The following is an entry in ClinVar:

ClinVar aggregate classification (germline): Uncertain significance (1 of 4 stars; one submission).

Conditions:
Primary ciliary dyskinesia. Also called: Ciliary dyskinesia. Identifiers: Orphanet 244, MedGen C0008780, MONDO:0016575, HP:0012265.

Submission:

Ambry Genetics
Classification: Uncertain significance for Primary ciliary dyskinesia. Last evaluated: 2021-08-16. Review status: criteria provided, single submitter. Criteria: Ambry Variant Classification Scheme 2023. Collection method: clinical testing. Allele origin: germline.
Comment: The p.T413R variant (also known as c.1238C>G), located in coding exon 10 of the CCDC39 gene, results from a C to G substitution at nucleotide position 1238. The threonine at codon 413 is replaced by arginine, an amino acid with similar properties. This amino acid position is conserved. In addition, this alteration is predicted to be tolerated by in silico analysis. Since supporting evidence is limited at this time, the clinical significance of this alteration remains unclear.

NM_181426.2(CCDC39):c.1238C>G (p.Thr413Arg)

Gene: CCDC39 (coiled-coil domain 39 molecular ruler complex subunit; minus strand). Cytogenetic location: 3q26.33.
Variant type: single nucleotide variant.
Coding change: c.1238C>G on transcript NM_181426.2 (MANE Select); coding-DNA position 1238, C replaced by G.
Protein change: p.Thr413Arg; replaces threonine 413 with arginine.
Molecular consequence: missense variant.
Genome position (GRCh38, 1-based): chr3:180,648,289, G>C on the plus strand (C>G on the coding strand, the complement: CCDC39 is on the minus strand). VCF-style: chr3-180648289-G-C. GRCh37 (hg19) VCF-style: chr3-180366077-G-C.
Other names: short protein forms T413R.
Identifiers: ClinVar variation 1757346 (VCV001757346.2), dbSNP rs1718120697, ClinGen allele CA355310884.